The following is an entry in ClinVar:

ClinVar aggregate classification (germline): Uncertain significance. Review status: no assertion criteria provided (0 of 4 stars). 2 submissions from 2 submitters: Uncertain significance (1). 1 of the submissions does not count toward it. Last evaluated 2024-02-02.

Conditions:
Breast-ovarian cancer, familial, susceptibility to, 1 (BROVCA1). Also called: BRCA1 Hereditary Breast and Ovarian Cancer; OVARIAN CANCER, SUSCEPTIBILITY TO. Identifiers: Orphanet 145, MedGen C2676676, MONDO:0011450, OMIM 604370. Disease mechanism: loss of function.

Submissions (3):

BRCAlab, Lund University
Classification: Uncertain significance for Breast-ovarian cancer, familial, susceptibility to, 1. Last evaluated: 2024-02-02. Review status: no assertion criteria provided. Collection method: clinical testing. Allele origin: germline. Affected: yes.

Brotman Baty Institute, University of Washington
No classification provided (evidence only). Condition: Breast-ovarian cancer, familial 1. Review status: no classification provided. Collection method: in vitro. Allele origin: not applicable. Functional consequence: functionally_abnormal. Not counted in ClinVar's aggregate classification.
ClinVar note: "not provided" was previously submitted as the classification for the variant. However, the classification appeared to be based only on an observation of functional data so it was converted to no classification on 2025-07-30.

Department of Obstetrics and Gynecology, Wakayama Medical University
No classification provided. Condition: breast- ovarian cancer, familial, susceptibility to 1. Review status: no classification provided. Collection method: phenotyping only. Allele origin: germline. Inheritance: Autosomal dominant inheritance. Affected: yes. Observed: 1 variant allele, 1 heterozygote. Not counted in ClinVar's aggregate classification.
Comment: This variant has functional evidence from BRCA1 SGE (Findlay et al., Nature 2018; PMID:30209399) showing loss-of-function (score -2.88), and a published case report (Oncol Lett 2022; Mabuchi et al.).

Literature cited by the submitters: PubMed 30209399 (cited by Department of Obstetrics and Gynecology, Wakayama Medical University); PubMed 35949594 (cited by Department of Obstetrics and Gynecology, Wakayama Medical University).

NM_007294.4(BRCA1):c.49G>C (p.Ala17Pro)

Gene: BRCA1 (BRCA1 DNA repair associated; minus strand). Cytogenetic location: 17q21.31.
Variant type: single nucleotide variant.
Coding change: c.49G>C on transcript NM_007294.4 (MANE Select); coding-DNA position 49, G replaced by C.
Protein change: p.Ala17Pro; replaces alanine 17 with proline.
Molecular consequence: missense variant. On other transcripts: 5 prime UTR variant (1), non-coding transcript variant (1).
Genome position (GRCh38, 1-based): chr17:43,124,048, C>G on the plus strand (G>C on the coding strand, the complement: BRCA1 is on the minus strand). VCF-style: chr17-43124048-C-G. GRCh37 (hg19) VCF-style: chr17-41276065-C-G.
Other names: c.-140G>C (NM_001407571.1, NM_001407853.1, NM_001407879.1 and 46 more transcripts); c.49G>C, p.Ala17Pro (NM_001407581.1, NM_001407582.1, NM_001407583.1 and 193 more transcripts); c.-209G>C (NM_001407694.1, NM_001407724.1, NM_001407727.1 and 11 more transcripts); c.-213G>C (NM_001407695.1, NM_001408465.1); c.-354G>C (NM_001407696.1); c.-238G>C (NM_001407697.1, NM_001407846.1, NM_001407920.1); c.-39G>C (NM_001407698.1, NM_001407732.1, NM_001407736.1 and 23 more transcripts); c.-212G>C (NM_001407725.1, NM_001407730.1, NM_001407734.1 and 22 more transcripts); and 8 more; short protein forms A17P.
Identifiers: ClinVar variation 869095 (VCV000869095.5), dbSNP rs1402064476, ClinGen allele CA10602060.